The following is an entry in ClinVar:

ClinVar aggregate classification (germline): Conflicting classifications of pathogenicity. Review status: criteria provided, conflicting classifications (1 of 4 stars). 6 submissions from 6 submitters: Uncertain significance (2); Likely benign (3). 1 of the submissions does not count toward it. Last evaluated 2026-01-28.

Conditions:
NEB-related disorder. Also called: NEB-related condition; NEB-Related Disorders.
Nemaline myopathy 2 (NEM2). Also called: Nemaline myopathy 2, autosomal recessive. Identifiers: MedGen C1850569, MONDO:0009725, OMIM 256030.

Allele frequency attached by ClinVar (database versions not stated): gnomAD exomes 0.00015 and 0.00031; ExAC 0.00038; 1000 Genomes Project 0.00120; 1000 Genomes Project 30x 0.00125; TOPMed 0.00162; gnomAD 0.00167 and 0.00177; ESP Exome Variant Server 0.00200.
gnomAD v4.1: 474 of 1,576,812 alleles (0.03%); highest among the groups gnomAD compares: African/African-American, 0.58%; 2 homozygotes.

Submissions (6):

Labcorp Genetics (formerly Invitae), Labcorp
Classification: Likely benign for Nemaline myopathy 2. Last evaluated: 2026-01-28. Review status: criteria provided, single submitter. Criteria: Invitae Variant Classification Sherloc (09022015). Collection method: clinical testing. Allele origin: germline.

Blueprint Genetics
Classification: Likely benign. Last evaluated: 2024-11-26. Review status: criteria provided, single submitter. Criteria: ACMG Guidelines, 2015. Collection method: clinical testing. Allele origin: germline.

Baylor Genetics
Classification: Uncertain significance for Nemaline myopathy 2. Last evaluated: 2018-12-29. Review status: criteria provided, single submitter. Criteria: ACMG Guidelines, 2015. Collection method: clinical testing. Allele origin: unknown. Affected: yes.
Comment: This variant was determined to be of uncertain significance according to ACMG Guidelines, 2015 [PMID:25741868].

Illumina Laboratory Services, Illumina
Classification: Uncertain significance for Nemaline myopathy 2. Last evaluated: 2018-01-13. Review status: criteria provided, single submitter. Criteria: ICSL Variant Classification Criteria 13 December 2019. Collection method: clinical testing. Allele origin: germline.

GeneDx
Classification: Likely benign. Last evaluated: 2017-06-30. Review status: criteria provided, single submitter. Criteria: GeneDx Variant Classification (06012015). Collection method: clinical testing. Allele origin: germline. Affected: yes.
Comment: This variant is considered likely benign or benign based on one or more of the following criteria: it is a conservative change, it occurs at a poorly conserved position in the protein, it is predicted to be benign by multiple in silico algorithms, and/or has population frequency not consistent with disease.

PreventionGenetics, part of Exact Sciences
Classification: Likely benign for NEB-related condition. Last evaluated: 2019-05-21. Review status: no assertion criteria provided. Collection method: clinical testing. Allele origin: germline. Not counted in ClinVar's aggregate classification.
Comment: This variant is classified as likely benign based on ACMG/AMP sequence variant interpretation guidelines (Richards et al. 2015 PMID: 25741868, with internal and published modifications).

NM_001164508.2(NEB):c.22800+9A>G

Genes: NEB (nebulin; minus strand), RIF1 (replication timing regulatory factor 1; plus strand). Cytogenetic location: 2q23.3.
Variant type: single nucleotide variant.
Coding change: c.22800+9A>G on transcript NM_001164508.2 (MANE Select); 9 bases into the intron after coding-DNA position 22800, A replaced by G.
Molecular consequence: intron variant.
Genome position (GRCh38, 1-based): chr2:151,518,309, T>C on the plus strand (A>G on the coding strand, the complement: NEB is on the minus strand). VCF-style: chr2-151518309-T-C. GRCh37 (hg19) VCF-style: chr2-152374823-T-C.
Other names: c.17697+9A>G (NM_004543.5); c.22800+9A>G (NM_001164507.2); c.22905+9A>G (NM_001271208.2).
Identifiers: ClinVar variation 510426 (VCV000510426.20), dbSNP rs144303545, ClinGen allele CA1906538.